The following is an entry in ClinVar:

ClinVar aggregate classification (germline): Likely benign. Review status: criteria provided, multiple submitters, no conflicts (2 of 4 stars). 5 submissions from 5 submitters: Likely benign (5). Last evaluated 2026-01-07.

Allele frequency attached by ClinVar (database versions not stated): 1000 Genomes Project 30x 0.00031; 1000 Genomes Project 0.00040; ExAC 0.00005; gnomAD 0.00007 and 0.00008; TOPMed 0.00010; ESP Exome Variant Server 0.00015.
gnomAD v4.1: 48 of 1,613,894 alleles (0.003%); highest among the groups gnomAD compares: Middle Eastern, 0.12%; no homozygotes.

Submissions (5):

Labcorp Genetics (formerly Invitae), Labcorp
Classification: Likely benign. Last evaluated: 2026-01-07. Review status: criteria provided, single submitter. Criteria: Invitae Variant Classification Sherloc (09022015). Collection method: clinical testing. Allele origin: germline.

CeGaT Center for Human Genetics Tuebingen
Classification: Likely benign. Last evaluated: 2025-10-01. Review status: criteria provided, single submitter. Criteria: CeGaT Center For Human Genetics Tuebingen Variant Classification Criteria Version 2. Collection method: clinical testing. Allele origin: germline. Affected: yes. Observed: 2 variant alleles.
Comment: DEAF1: BP4, BP7

Blueprint Genetics
Classification: Likely benign. Last evaluated: 2023-12-14. Review status: criteria provided, single submitter. Criteria: ACMG Guidelines, 2015. Collection method: clinical testing. Allele origin: germline.

Genetic Services Laboratory, University of Chicago
Classification: Likely benign. Last evaluated: 2016-06-28. Review status: criteria provided, single submitter. Criteria: ACMG Guidelines, 2015. Collection method: clinical testing. Allele origin: germline. Affected: no.

Breakthrough Genomics
Classification: Likely benign. Review status: criteria provided, single submitter. Criteria: ACMG Guidelines, 2015. Collection method: not provided. Allele origin: germline. Inheritance: Autosomal recessive inheritance. Affected: yes.

NM_021008.4(DEAF1):c.1320G>A (p.Ala440=)

Genes: DEAF1 (DEAF1 transcription factor; minus strand), LOC126861109 (BRD4-independent group 4 enhancer GRCh37_chr11:673917-675116; plus strand). Cytogenetic location: 11p15.5.
Variant type: single nucleotide variant.
Coding change: c.1320G>A on transcript NM_021008.4 (MANE Select); coding-DNA position 1320, G replaced by A.
Protein change: p.Ala440=; no amino-acid change (alanine 440 retained).
Molecular consequence: synonymous variant.
Genome position (GRCh38, 1-based): chr11:674,719, C>T on the plus strand (G>A on the coding strand, the complement: DEAF1 is on the minus strand). VCF-style: chr11-674719-C-T. GRCh37 (hg19) VCF-style: chr11-674719-C-T.
Other names: c.1053G>A, p.Ala351= (NM_001293634.2); c.594G>A, p.Ala198= (NM_001367390.1).
Identifiers: ClinVar variation 434926 (VCV000434926.23), dbSNP rs187523180, ClinGen allele CA5786241.